The following is an entry in ClinVar:

ClinVar aggregate classification (germline): Uncertain significance (1 of 4 stars; one submission).

Conditions:
Nemaline myopathy 6 (NEM6). Also called: Nemaline myopathy 6, autosomal dominant. Identifiers: Orphanet 171439, MedGen C1836472, MONDO:0012237, OMIM 609273.

gnomAD v4.1: 7 of 1,527,670 alleles (0.00046%); highest among the groups gnomAD compares: Non-Finnish European, 0.00061%; no homozygotes.

Submission:

Labcorp Genetics (formerly Invitae), Labcorp
Classification: Uncertain significance for Nemaline myopathy 6. Last evaluated: 2021-02-07. Review status: criteria provided, single submitter. Criteria: Invitae Variant Classification Sherloc (09022015). Collection method: clinical testing. Allele origin: germline.
Comment: This sequence change replaces glycine with arginine at codon 203 of the KBTBD13 protein (p.Gly203Arg). The glycine residue is highly conserved and there is a moderate physicochemical difference between glycine and arginine. The frequency data for this variant in the population databases is considered unreliable, as metrics indicate insufficient coverage at this position in the ExAC database. This variant has not been reported in the literature in individuals with KBTBD13-related conditions. Algorithms developed to predict the effect of missense changes on protein structure and function are either unavailable or do not agree on the potential impact of this missense change (SIFT: "Deleterious"; PolyPhen-2: "Probably Damaging"; Align-GVGD: "Class C15"). In summary, the available evidence is currently insufficient to determine the role of this variant in disease. Therefore, it has been classified as a Variant of Uncertain Significance.

NM_001101362.3(KBTBD13):c.607G>A (p.Gly203Arg)

Gene: KBTBD13 (kelch repeat and BTB domain containing 13; plus strand). Cytogenetic location: 15q22.31.
Variant type: single nucleotide variant.
Coding change: c.607G>A on transcript NM_001101362.3 (MANE Select); coding-DNA position 607, G replaced by A.
Protein change: p.Gly203Arg; replaces glycine 203 with arginine.
Molecular consequence: missense variant.
Genome position (GRCh38, 1-based): chr15:65,077,422, G>A. VCF-style: chr15-65077422-G-A. GRCh37 (hg19) VCF-style: chr15-65369760-G-A.
Other names: short protein forms G203R.
Identifiers: ClinVar variation 1347076 (VCV001347076.8), dbSNP rs944113571, ClinGen allele CA392861723.